The following is an entry in ClinVar:

ClinVar aggregate classification (germline): Uncertain significance. Review status: criteria provided, multiple submitters, no conflicts (2 of 4 stars). 2 submissions from 2 submitters: Uncertain significance (2). Last evaluated 2023-10-02.

Conditions:
Spastic paraplegia. Identifiers: MedGen C0037772, HP:0001258.
Inborn genetic diseases. Identifiers: MedGen C0950123, MeSH D030342.

Allele frequency attached by ClinVar (database versions not stated): TOPMed 0.00001; ExAC 0.00002; gnomAD exomes 0.00003.

Submissions (2):

Ambry Genetics
Classification: Uncertain significance for Inborn genetic diseases. Last evaluated: 2023-10-02. Review status: criteria provided, single submitter. Criteria: Ambry Variant Classification Scheme 2023. Collection method: clinical testing. Allele origin: germline.

Labcorp Genetics (formerly Invitae), Labcorp
Classification: Uncertain significance for Spastic paraplegia. Last evaluated: 2022-11-29. Review status: criteria provided, single submitter. Criteria: Invitae Variant Classification Sherloc (09022015). Collection method: clinical testing. Allele origin: germline.
Comment: In summary, the available evidence is currently insufficient to determine the role of this variant in disease. Therefore, it has been classified as a Variant of Uncertain Significance. Advanced modeling of protein sequence and biophysical properties (such as structural, functional, and spatial information, amino acid conservation, physicochemical variation, residue mobility, and thermodynamic stability) performed at Invitae indicates that this missense variant is not expected to disrupt B4GALNT1 protein function. ClinVar contains an entry for this variant (Variation ID: 1058887). This variant has not been reported in the literature in individuals affected with B4GALNT1-related conditions. This variant is present in population databases (rs769379493, gnomAD 0.006%). This sequence change replaces threonine, which is neutral and polar, with isoleucine, which is neutral and non-polar, at codon 207 of the B4GALNT1 protein (p.Thr207Ile).

NM_001478.5(B4GALNT1):c.620C>T (p.Thr207Ile)

Gene: B4GALNT1 (beta-1,4-N-acetyl-galactosaminyltransferase 1; minus strand). Cytogenetic location: 12q13.3.
Variant type: single nucleotide variant.
Coding change: c.620C>T on transcript NM_001478.5 (MANE Select); coding-DNA position 620, C replaced by T.
Protein change: p.Thr207Ile; replaces threonine 207 with isoleucine.
Molecular consequence: missense variant.
Genome position (GRCh38, 1-based): chr12:57,630,244, G>A on the plus strand (C>T on the coding strand, the complement: B4GALNT1 is on the minus strand). VCF-style: chr12-57630244-G-A. GRCh37 (hg19) VCF-style: chr12-58024027-G-A.
Other names: c.455C>T, p.Thr152Ile (NM_001276468.2); c.620C>T, p.Thr207Ile (NM_001276469.2); c.620C>T (NM_001478.3); short protein forms T152I, T207I.
Identifiers: ClinVar variation 1058887 (VCV001058887.8), dbSNP rs769379493, ClinGen allele CA6655713.